The following is an entry in ClinVar:

ClinVar aggregate classification (germline): Likely pathogenic (1 of 4 stars; one submission).

Conditions:
Glycine encephalopathy. Also called: Non-ketotic hyperglycinemia; Nonketotic hyperglycinemia. Identifiers: Orphanet 407, MedGen C0751748, MONDO:0011612, HP:0008288.

Submission:

Women's Health and Genetics/Laboratory Corporation of America, LabCorp
Classification: Likely pathogenic for Glycine encephalopathy. Last evaluated: 2021-12-22. Review status: criteria provided, single submitter. Criteria: LabCorp Variant Classification Summary - May 2015. Collection method: clinical testing. Allele origin: germline.
Comment: Variant summary: AMT c.383delA (p.Asp128ValfsX3) results in a premature termination codon, predicted to cause a truncation of the encoded protein or absence of the protein due to nonsense mediated decay, which are commonly known mechanisms for disease. Truncations downstream of this position have been classified as pathogenic by our laboratory. The variant was absent in 251494 control chromosomes. To our knowledge, no occurrence of c.383delA in individuals affected with Glycine Encephalopathy (Non-Ketotic Hyperglycinemia) and no experimental evidence demonstrating its impact on protein function have been reported. No clinical diagnostic laboratories have submitted clinical-significance assessments for this variant to ClinVar after 2014. Based on the evidence outlined above, the variant was classified as likely pathogenic.

NM_000481.4(AMT):c.383del (p.Asp128fs)

Gene: AMT (aminomethyltransferase; minus strand). Cytogenetic location: 3p21.31.
Variant type: Deletion.
Coding change: c.383del on transcript NM_000481.4 (MANE Select); coding-DNA position 383, one base deleted (A; older notation c.383delA).
Protein change: p.Asp128fs; shifts the reading frame from aspartic acid 128.
Molecular consequence: frameshift variant. On other transcripts: non-coding transcript variant (1), intron variant (1).
Genome position (GRCh38, 1-based): chr3:49,420,299, T deleted on the plus strand (A on the coding strand, the reverse complement: AMT is on the minus strand). VCF-style (leftmost placement, unchanged base first): chr3-49420298-AT-A. GRCh37 (hg19) VCF-style: chr3-49457731-AT-A.
Other names: c.215del, p.Asp72fs (NM_001164711.2); c.383del, p.Asp128fs (NM_001164712.2); c.340-511del (NM_001164710.2); short protein forms D128fs, D72fs.
Identifiers: ClinVar variation 1331469 (VCV001331469.1), dbSNP rs2107933731, ClinGen allele CA2573052207.